The following is an entry in ClinVar:

NM_000492.4(CFTR):c.112_113del (p.Tyr38fs)

Gene: CFTR (CF transmembrane conductance regulator; plus strand). Cytogenetic location: 7q31.2.
Variant type: Microsatellite.
Coding change: c.112_113del on transcript NM_000492.4 (MANE Select); coding-DNA positions 112 to 113, 2 bases deleted (TA; older notation c.112_113delTA).
Protein change: p.Tyr38fs; shifts the reading frame from tyrosine 38.
Molecular consequence: frameshift variant.
Genome position (GRCh38, 1-based): chr7:117,504,311-117,504,312, TA deleted; deleting any 2 consecutive bases within chr7:117,504,308-117,504,312 gives the same sequence; the c. name uses the placement nearest the transcript's 3' end. VCF-style (leftmost placement, unchanged base first): chr7-117504307-CAT-C. GRCh37 (hg19) VCF-style: chr7-117144361-CAT-C.
Other names: c.112_113delTA (NM_000492.3); short protein forms Y38fs.
Identifiers: ClinVar variation 53198 (VCV000053198.2), dbSNP rs397508162, ClinGen allele CA326412.

ClinVar aggregate classification (germline): Pathogenic. Review status: criteria provided, single submitter (1 of 4 stars). 2 submissions from 2 submitters: Pathogenic (1). 1 of the submissions does not count toward it. Last evaluated 2025-02-12.

Conditions:
Cystic fibrosis (CF). Also called: MUCOVISCIDOSIS. Identifiers: Orphanet 586, MedGen C0010674, MONDO:0009061, OMIM 219700. Disease mechanism: loss of function.

Submissions (2):

3billion
Classification: Pathogenic for Cystic fibrosis. Last evaluated: 2025-02-12. Review status: criteria provided, single submitter. Criteria: ACMG Guidelines, 2015. Collection method: clinical testing. Allele origin: germline. Affected: yes.
Comment: The variant is not observed in the gnomAD v4.1.0 dataset. Predicted Consequence/Location: Frameshift: predicted to result in a loss or disruption of normal protein function through nonsense-mediated decay (NMD) or protein truncation. Multiple pathogenic variants are reported downstream of the variant. The variant has been reported to be associated with CFTR-related disorder (PMID: 1379210). Therefore, this variant is classified as Pathogenic according to the recommendation of ACMG/AMP guideline.

ClinVar Staff, National Center for Biotechnology Information (NCBI)
No classification provided. Condition: CFTR-related disorders. Review status: no classification provided. Collection method: literature only. Allele origin: germline. Affected: yes. Not counted in ClinVar's aggregate classification.

Literature cited by the submitters: PubMed 1379210 (cited by 3billion and ClinVar Staff, National Center for Biotechnology Information (NCBI)).